The following is an entry in ClinVar:

NM_001308093.3(GATA4):c.397A>T (p.Ser133Cys)

Gene: GATA4 (GATA binding protein 4). Cytogenetic location: 8p23.1.
Variant type: single nucleotide variant.
Coding change: c.397A>T on transcript NM_001308093.3 (MANE Select); coding-DNA position 397, A replaced by T.
Protein change: p.Ser133Cys; replaces serine 133 with cysteine.
Molecular consequence: missense variant. On other transcripts: intron variant (3).
Genome position (GRCh38, 1-based): chr8:11,708,709, A>T. VCF-style: chr8-11708709-A-T. GRCh37 (hg19) VCF-style: chr8-11566218-A-T.
Other names: c.397A>T, p.Ser133Cys (NM_002052.5); c.-6+7931A>T (NM_001308094.2); c.-3+695A>T (NM_001374274.1); c.-3+4405A>T (NM_001374273.1); short protein forms S133C.
Identifiers: ClinVar variation 219229 (VCV000219229.2), dbSNP rs864321701, ClinGen allele CA347946.

ClinVar aggregate classification (germline): Pathogenic (0 of 4 stars; one submission).

Conditions:
Congenital heart disease (CHD). Identifiers: MedGen C0152021, MONDO:0005453. Disease mechanism: unknown.

Submission:

Cytogenetics- Mohapatra Lab, Banaras Hindu University
Classification: Pathogenic for Congenital heart disease. Last evaluated: 2013-05-15. Review status: no assertion criteria provided. Collection method: case-control. Allele origin: de novo. Affected: yes. Observed: 1 variant allele.